The following is an entry in ClinVar:

NM_178822.5(IGSF10):c.7715C>G (p.Thr2572Arg)

Gene: IGSF10 (immunoglobulin superfamily member 10; minus strand). Cytogenetic location: 3q25.1.
Variant type: single nucleotide variant.
Coding change: c.7715C>G on transcript NM_178822.5 (MANE Select); coding-DNA position 7715, C replaced by G.
Protein change: p.Thr2572Arg; replaces threonine 2572 with arginine.
Molecular consequence: missense variant.
Genome position (GRCh38, 1-based): chr3:151,436,846, G>C on the plus strand (C>G on the coding strand, the complement: IGSF10 is on the minus strand). VCF-style: chr3-151436846-G-C. GRCh37 (hg19) VCF-style: chr3-151154634-G-C.
Other names: c.1652C>G, p.Thr551Arg (NM_001178145.3, NM_001178146.3); c.7715C>G, p.Thr2572Arg (NM_001385060.1, NM_001385061.1, NM_001385062.1 and 1 more transcripts); short protein forms T2572R, T551R.
Identifiers: ClinVar variation 2218359 (VCV002218359.3), dbSNP rs200898424, ClinGen allele CA2669199.

ClinVar aggregate classification (germline): Uncertain significance. Review status: criteria provided, multiple submitters, no conflicts (2 of 4 stars). 2 submissions from 2 submitters: Uncertain significance (2). Last evaluated 2025-06-28.

gnomAD v4.1: 39 of 1,613,984 alleles (0.0024%); highest among the groups gnomAD compares: Non-Finnish European, 0.0031%; no homozygotes.

Submissions (2):

Labcorp Genetics (formerly Invitae), Labcorp
Classification: Uncertain significance. Last evaluated: 2025-06-28. Review status: criteria provided, single submitter. Criteria: Invitae Variant Classification Sherloc (09022015). Collection method: clinical testing. Allele origin: germline.
Comment: This sequence change replaces threonine, which is neutral and polar, with arginine, which is basic and polar, at codon 2572 of the IGSF10 protein (p.Thr2572Arg). This variant is present in population databases (rs200898424, gnomAD 0.007%). This variant has not been reported in the literature in individuals affected with IGSF10-related conditions. ClinVar contains an entry for this variant (Variation ID: 2218359). An algorithm developed to predict the effect of missense changes on protein structure and function outputs the following: PolyPhen-2: "Benign". The arginine amino acid residue is found in multiple mammalian species, which suggests that this missense change does not adversely affect protein function. In summary, the available evidence is currently insufficient to determine the role of this variant in disease. Therefore, it has been classified as a Variant of Uncertain Significance.

Ambry Genetics
Classification: Uncertain significance. Last evaluated: 2022-08-08. Review status: criteria provided, single submitter. Criteria: Ambry Variant Classification Scheme 2023. Collection method: clinical testing. Allele origin: germline.